The following is an entry in ClinVar:

NM_199355.4(ADAMTS18):c.161C>T (p.Ala54Val)

Gene: ADAMTS18 (ADAM metallopeptidase with thrombospondin type 1 motif 18; minus strand). Cytogenetic location: 16q23.1.
Variant type: single nucleotide variant.
Coding change: c.161C>T on transcript NM_199355.4 (MANE Select); coding-DNA position 161, C replaced by T.
Protein change: p.Ala54Val; replaces alanine 54 with valine.
Molecular consequence: missense variant. On other transcripts: 5 prime UTR variant (1).
Genome position (GRCh38, 1-based): chr16:77,434,435, G>A on the plus strand (C>T on the coding strand, the complement: ADAMTS18 is on the minus strand). VCF-style: chr16-77434435-G-A. GRCh37 (hg19) VCF-style: chr16-77468332-G-A.
Other names: c.-360C>T (NM_001326358.2); c.161C>T (NM_199355.2); short protein forms A54V.
Identifiers: ClinVar variation 1011276 (VCV001011276.5), dbSNP rs1321367196, ClinGen allele CA396851692.

ClinVar aggregate classification (germline): Uncertain significance. Review status: criteria provided, multiple submitters, no conflicts (2 of 4 stars). 2 submissions from 2 submitters: Uncertain significance (2). Last evaluated 2024-06-17.

Conditions:
Inborn genetic diseases. Identifiers: MedGen C0950123, MeSH D030342.

Allele frequency attached by ClinVar (database versions not stated): TOPMed 0.00003; gnomAD exomes 0.00002; gnomAD 0.00004.
gnomAD v4.1: 31 of 1,572,624 alleles (0.002%); highest among the groups gnomAD compares: Non-Finnish European, 0.0024%; no homozygotes.

Submissions (2):

Ambry Genetics
Classification: Uncertain significance for Inborn genetic diseases. Last evaluated: 2024-06-17. Review status: criteria provided, single submitter. Criteria: Ambry Variant Classification Scheme 2023. Collection method: clinical testing. Allele origin: germline.

Labcorp Genetics (formerly Invitae), Labcorp
Classification: Uncertain significance. Last evaluated: 2022-08-23. Review status: criteria provided, single submitter. Criteria: Invitae Variant Classification Sherloc (09022015). Collection method: clinical testing. Allele origin: germline.
Comment: In summary, the available evidence is currently insufficient to determine the role of this variant in disease. Therefore, it has been classified as a Variant of Uncertain Significance. Algorithms developed to predict the effect of missense changes on protein structure and function are either unavailable or do not agree on the potential impact of this missense change (SIFT: "Not Available"; PolyPhen-2: "Benign"; Align-GVGD: "Not Available"). ClinVar contains an entry for this variant (Variation ID: 1011276). This variant has not been reported in the literature in individuals affected with ADAMTS18-related conditions. The frequency data for this variant in the population databases is considered unreliable, as metrics indicate poor data quality at this position in the gnomAD database. This sequence change replaces alanine, which is neutral and non-polar, with valine, which is neutral and non-polar, at codon 54 of the ADAMTS18 protein (p.Ala54Val).